The following is an entry in ClinVar:

ClinVar aggregate classification (germline): Uncertain significance. Review status: criteria provided, multiple submitters, no conflicts (2 of 4 stars). 3 submissions from 3 submitters: Uncertain significance (3). Last evaluated 2026-04-11.

Conditions:
Intellectual developmental disorder, autosomal dominant 1. Also called: MBD5 Haploinsufficiency; Intellectual disability, autosomal dominant 1. Identifiers: Orphanet 228402, MedGen C1969562, MONDO:0007974, OMIM 156200.
Inborn genetic diseases. Identifiers: MedGen C0950123, MeSH D030342.

gnomAD v4.1: 4 of 1,612,822 alleles (0.00025%); highest among the groups gnomAD compares: Non-Finnish European, 0.00034%; no homozygotes.

Submissions (3):

Ambry Genetics
Classification: Uncertain significance for Inborn genetic diseases. Last evaluated: 2026-04-11. Review status: criteria provided, single submitter. Criteria: Ambry Variant Classification Scheme 2023. Collection method: clinical testing. Allele origin: germline.

Labcorp Genetics (formerly Invitae), Labcorp
Classification: Uncertain significance for Intellectual developmental disorder, autosomal dominant 1. Last evaluated: 2024-08-08. Review status: criteria provided, single submitter. Criteria: Invitae Variant Classification Sherloc (09022015). Collection method: clinical testing. Allele origin: germline.
Comment: This sequence change replaces aspartic acid, which is acidic and polar, with tyrosine, which is neutral and polar, at codon 362 of the MBD5 protein (p.Asp362Tyr). This variant is not present in population databases (gnomAD no frequency). This variant has not been reported in the literature in individuals affected with MBD5-related conditions. Advanced modeling of protein sequence and biophysical properties (such as structural, functional, and spatial information, amino acid conservation, physicochemical variation, residue mobility, and thermodynamic stability) has been performed at Invitae for this missense variant, however the output from this modeling did not meet the statistical confidence thresholds required to predict the impact of this variant on MBD5 protein function. In summary, the available evidence is currently insufficient to determine the role of this variant in disease. Therefore, it has been classified as a Variant of Uncertain Significance.

Blueprint Genetics
Classification: Uncertain significance. Last evaluated: 2022-06-23. Review status: criteria provided, single submitter. Criteria: ACMG Guidelines, 2015. Collection method: clinical testing. Allele origin: germline.

NM_001378120.1(MBD5):c.1084G>T (p.Asp362Tyr)

Gene: MBD5 (methyl-CpG binding domain protein 5; plus strand). Cytogenetic location: 2q23.1.
Variant type: single nucleotide variant.
Coding change: c.1084G>T on transcript NM_001378120.1 (MANE Select); coding-DNA position 1084, G replaced by T.
Protein change: p.Asp362Tyr; replaces aspartic acid 362 with tyrosine.
Molecular consequence: missense variant.
Genome position (GRCh38, 1-based): chr2:148,469,027, G>T. VCF-style: chr2-148469027-G-T. GRCh37 (hg19) VCF-style: chr2-149226596-G-T.
Other names: c.1084G>T, p.Asp362Tyr (NM_018328.5); c.1084G>T (NM_018328.4); short protein forms D362Y.
Identifiers: ClinVar variation 3730142 (VCV003730142.4).